The following is an entry in ClinVar:

NM_020884.7(MYH7B):c.4669G>C (p.Ala1557Pro)

Gene: MYH7B (myosin heavy chain 7B; plus strand). Cytogenetic location: 20q11.22.
Variant type: single nucleotide variant.
Coding change: c.4669G>C on transcript NM_020884.7 (MANE Select); coding-DNA position 4669, G replaced by C.
Protein change: p.Ala1557Pro; replaces alanine 1557 with proline.
Molecular consequence: missense variant.
Genome position (GRCh38, 1-based): chr20:34,999,794, G>C. VCF-style: chr20-34999794-G-C. GRCh37 (hg19) VCF-style: chr20-33587597-G-C.
Other names: short protein forms A1557P.
Identifiers: ClinVar variation 2869716 (VCV002869716.1), dbSNP rs1468201402, ClinGen allele CA408716279.
Genomic context (GRCh38, chr20:34,999,794, plus strand): 5'-GCTGCTCCACTGGCCATCCCCCCCCCCCACCCTACCCTGCCTGCTCTGTATCCACAGGGG[G>C]CCCTGGAGCTGGAGGAGACCAAGACGCTGCGGATCCAGCTGGAGCTCTCCCAGGTCAAAG-3'
Protein context (NP_065935.4, residues 1547-1567): IQAALEEAEG[Ala1557Pro]LELEETKTLR

ClinVar aggregate classification (germline): Uncertain significance (1 of 4 stars; one submission).

Allele frequency attached by ClinVar (database versions not stated): TOPMed below 0.00001.

Submission:

Labcorp Genetics (formerly Invitae), Labcorp
Classification: Uncertain significance. Last evaluated: 2023-12-09. Review status: criteria provided, single submitter. Criteria: Invitae Variant Classification Sherloc (09022015). Collection method: clinical testing. Allele origin: germline.
Comment: This sequence change replaces alanine, which is neutral and non-polar, with proline, which is neutral and non-polar, at codon 1599 of the MYH7B protein (p.Ala1599Pro). This variant is not present in population databases (gnomAD no frequency). This variant has not been reported in the literature in individuals affected with MYH7B-related conditions. Advanced modeling of protein sequence and biophysical properties (such as structural, functional, and spatial information, amino acid conservation, physicochemical variation, residue mobility, and thermodynamic stability) performed at Invitae indicates that this missense variant is not expected to disrupt MYH7B protein function with a negative predictive value of 80%. In summary, the available evidence is currently insufficient to determine the role of this variant in disease. Therefore, it has been classified as a Variant of Uncertain Significance.